The following is an entry in ClinVar:

ClinVar aggregate classification (germline): Uncertain significance (1 of 4 stars; one submission).

Conditions:
Intellectual developmental disorder, autosomal dominant 30, with speech delay and behavioral abnormalities. Also called: Intellectual disability, autosomal dominant 30. Identifiers: Orphanet 436151, MedGen C4015167, MONDO:0014486, OMIM 616083.

Submission:

Dasa
Classification: Uncertain significance for Intellectual developmental disorder, autosomal dominant 30, with speech delay and behavioral abnormalities. Last evaluated: 2025-03-11. Review status: criteria provided, single submitter. Criteria: DASA Assertion Criteria. Collection method: clinical testing. Allele origin: germline.
Comment: NM_001370100.5(ZMYND11):c.919G>A (p.Asp307Asn) is a missense variant that results in the substitution of aspartic acid with asparagine. This variant is absent from population databases. Computational prediction algorithms are consistent with a benign effect. The currently available literature and clinical evidence are not sufficient to establish a definitive association between this variant and the reported condition. Therefore, this variant is classified as a variant of uncertain significance.

NM_001370100.5(ZMYND11):c.919G>A (p.Asp307Asn)

Gene: ZMYND11 (zinc finger MYND-type containing 11; plus strand). Cytogenetic location: 10p15.3.
Variant type: single nucleotide variant.
Coding change: c.919G>A on transcript NM_001370100.5 (MANE Select); coding-DNA position 919, G replaced by A.
Protein change: p.Asp307Asn; replaces aspartic acid 307 with asparagine.
Molecular consequence: missense variant. On other transcripts: non-coding transcript variant (1).
Genome position (GRCh38, 1-based): chr10:242,108, G>A. VCF-style: chr10-242108-G-A. GRCh37 (hg19) VCF-style: chr10-288048-G-A.
Other names: c.757G>A, p.Asp253Asn (NM_001370105.2, NM_001370106.2, NM_001370107.2 and 6 more transcripts); c.664G>A, p.Asp222Asn (NM_001370110.2, NM_001202465.3); c.754G>A, p.Asp252Asn (NM_001370111.2, NM_001202466.3); c.868G>A, p.Asp290Asn (NM_001370112.2, NM_001330057.3); c.826G>A, p.Asp276Asn (NM_001370113.2, NM_001370114.2); c.916G>A, p.Asp306Asn (NM_001370115.2, NM_212479.4); c.853G>A, p.Asp285Asn (NM_001370116.2); c.919G>A, p.Asp307Asn (NM_001370117.2, NM_006624.7, NM_001202468.1 and 5 more transcripts); and 7 more; short protein forms D150N, D188N, D205N, D213N, D222N, D231N, D252N, D253N.
Identifiers: ClinVar variation 4880865 (VCV004880865.2).